The following is an entry in ClinVar:

ClinVar aggregate classification (germline): Likely pathogenic (1 of 4 stars; one submission).

Conditions:
Inborn genetic diseases. Identifiers: MedGen C0950123, MeSH D030342.

Submission:

Ambry Genetics
Classification: Likely pathogenic for Inborn genetic diseases. Last evaluated: 2023-12-22. Review status: criteria provided, single submitter. Criteria: Ambry Variant Classification Scheme 2023. Collection method: clinical testing. Allele origin: germline.
Comment: The c.2076_2079delACAG (p.Q693Mfs*5) alteration, located in exon 21 (coding exon 21) of the RPS6KA3 gene, consists of a deletion of 4 nucleotides from position 2076 to 2079, causing a translational frameshift with a predicted alternate stop codon after 5 amino acids. This alteration occurs at the 3' terminus of the RPS6KA3 gene, is not expected to trigger nonsense-mediated mRNA decay, and impacts the last 6.5% of the protein. Premature stop codons are typically deleterious in nature, the impacted region is critical for protein function, and a significant portion of the protein is affected (Ambry internal data). This variant was not reported in population-based cohorts in the Genome Aggregation Database (gnomAD). Based on internal structural analysis, p.Q693Mfs*5 is inconclusive Based on the available evidence, this alteration is classified as likely pathogenic.

NM_004586.3(RPS6KA3):c.2076_2079del (p.Gln693fs)

Gene: RPS6KA3 (ribosomal protein S6 kinase A3; minus strand). Cytogenetic location: Xp22.12.
Variant type: Microsatellite.
Coding change: c.2076_2079del on transcript NM_004586.3 (MANE Select); coding-DNA positions 2076 to 2079, 4 bases deleted (ACAG; older notation c.2076_2079delACAG).
Protein change: p.Gln693fs; shifts the reading frame from glutamine 693.
Molecular consequence: frameshift variant.
Genome position (GRCh38, 1-based): chrX:20,156,130-20,156,133, CTGT deleted on the plus strand (ACAG on the coding strand, the reverse complement: RPS6KA3 is on the minus strand); deleting any 4 consecutive bases within chrX:20,156,130-20,156,137 gives the same sequence; the c. name uses the placement nearest the transcript's 3' end. VCF-style (leftmost placement, unchanged base first): chrX-20156129-CCTGT-C. GRCh37 (hg19) VCF-style: chrX-20174247-CCTGT-C.
Other names: short protein forms Q693fs.
Identifiers: ClinVar variation 3156208 (VCV003156208.1), dbSNP rs2519572888, ClinGen allele CA2825002900.